The following is an entry in ClinVar:

ClinVar aggregate classification (germline): Conflicting classifications of pathogenicity. Review status: criteria provided, conflicting classifications (1 of 4 stars). 5 submissions from 5 submitters: Uncertain significance (1); Benign (1); Likely benign (3). Last evaluated 2024-07-28.

Conditions:
Hereditary cancer-predisposing syndrome. Also called: Tumor predisposition; Neoplastic Syndromes, Hereditary; Hereditary Cancer Syndrome; Hereditary neoplastic syndrome. Identifiers: Orphanet 140162, MedGen C0027672, MeSH D009386, MONDO:0015356.
Hereditary breast ovarian cancer syndrome. Also called: Hereditary breast and ovarian cancer; Hereditary breast and ovarian cancer syndrome; Hereditary breast and ovarian cancer syndrome (HBOC); Breast and ovarian cancer; BRCA1- and BRCA2-Associated Hereditary Breast and Ovarian Cancer; Hereditary breast and/or ovarian cancer syndrome. Identifiers: Orphanet 145, MedGen C0677776, MeSH D061325, MONDO:0003582. Disease mechanism: loss of function.
Breast-ovarian cancer, familial, susceptibility to, 1 (BROVCA1). Also called: BRCA1 Hereditary Breast and Ovarian Cancer; OVARIAN CANCER, SUSCEPTIBILITY TO. Identifiers: Orphanet 145, MedGen C2676676, MONDO:0011450, OMIM 604370. Disease mechanism: loss of function.

Allele frequency attached by ClinVar (database versions not stated): TOPMed below 0.00001.

Submissions (5):

Labcorp Genetics (formerly Invitae), Labcorp
Classification: Likely benign for Hereditary breast ovarian cancer syndrome. Last evaluated: 2024-07-28. Review status: criteria provided, single submitter. Criteria: Invitae Variant Classification Sherloc (09022015). Collection method: clinical testing. Allele origin: germline.

All of Us Research Program, National Institutes of Health
Classification: Likely benign for Breast-ovarian cancer, familial, susceptibility to, 1. Last evaluated: 2023-08-28. Review status: criteria provided, single submitter. Criteria: ACMG Guidelines, 2015. Collection method: clinical testing. Allele origin: germline. Inheritance: Autosomal dominant inheritance. Observed: 1 variant allele, 1 heterozygote.
Comment: This study involves interpretation of variants in research participants for the purpose of population health screening. Participant phenotype was not available at the time of variant classification. Additional details can be found in publication PMID: 35346344, PMCID: PMC8962531

Ambry Genetics
Classification: Likely benign for Hereditary cancer-predisposing syndrome. Last evaluated: 2020-01-02. Review status: criteria provided, single submitter. Criteria: Ambry Variant Classification Scheme 2023. Collection method: clinical testing. Allele origin: germline.

Quest Diagnostics Nichols Institute San Juan Capistrano
Classification: Uncertain significance. Last evaluated: 2017-08-31. Review status: criteria provided, single submitter. Criteria: Quest Diagnostics criteria. Collection method: clinical testing. Allele origin: germline.

GeneDx
Classification: Benign. Last evaluated: 2015-04-14. Review status: criteria provided, single submitter. Criteria: GeneDx Variant Classification Process June 2021. Collection method: clinical testing. Allele origin: germline. Affected: yes.

NM_007294.4(BRCA1):c.4698T>G (p.Ser1566=)

Gene: BRCA1 (BRCA1 DNA repair associated; minus strand). Cytogenetic location: 17q21.31.
Variant type: single nucleotide variant.
Coding change: c.4698T>G on transcript NM_007294.4 (MANE Select); coding-DNA position 4698, T replaced by G.
Protein change: p.Ser1566=; no amino-acid change (serine 1566 retained).
Molecular consequence: synonymous variant. On other transcripts: intron variant (1).
Genome position (GRCh38, 1-based): chr17:43,071,216, A>C on the plus strand (T>G on the coding strand, the complement: BRCA1 is on the minus strand). VCF-style: chr17-43071216-A-C. GRCh37 (hg19) VCF-style: chr17-41223233-A-C.
Other names: c.4485T>G, p.Ser1495= (NM_001407571.1, NM_001407894.1, NM_001407895.1 and 12 more transcripts); c.4764T>G, p.Ser1588= (NM_001407581.1, NM_001407582.1); c.4761T>G, p.Ser1587= (NM_001407583.1, NM_001407585.1, NM_001407587.1 and 1 more transcripts); c.4758T>G, p.Ser1586= (NM_001407590.1, NM_001407591.1); c.4698T>G, p.Ser1566= (NM_001407593.1, NM_001407594.1, NM_001407596.1 and 8 more transcripts); c.4695T>G, p.Ser1565= (NM_001407610.1, NM_001407611.1, NM_001407612.1 and 17 more transcripts); c.4692T>G, p.Ser1564= (NM_001407627.1, NM_001407628.1, NM_001407629.1 and 14 more transcripts); c.4689T>G, p.Ser1563= (NM_001407644.1, NM_001407645.1); and 71 more.
Identifiers: ClinVar variation 619795 (VCV000619795.18), dbSNP rs1246456207, ClinGen allele CA500231892.